The following is an entry in ClinVar:

ClinVar aggregate classification (germline): Pathogenic (1 of 4 stars; one submission).

Conditions:
Arthrogryposis, distal, type 1A. Also called: ARTHROGRYPOSIS MULTIPLEX CONGENITA, DISTAL, TYPE I. Identifiers: Orphanet 1146, MedGen C6022280, MONDO:0007157, OMIM 108120.

Submission:

Labcorp Genetics (formerly Invitae), Labcorp
Classification: Pathogenic for Arthrogryposis, distal, type 1A. Last evaluated: 2022-07-29. Review status: criteria provided, single submitter. Criteria: Invitae Variant Classification Sherloc (09022015). Collection method: clinical testing. Allele origin: germline.
Comment: This sequence change creates a premature translational stop signal (p.Tyr221*) in the TPM2 gene. It is expected to result in an absent or disrupted protein product. Loss-of-function variants in TPM2 are known to be pathogenic (PMID: 19155175, 27726070). For these reasons, this variant has been classified as Pathogenic. ClinVar contains an entry for this variant (Variation ID: 632042). This variant has not been reported in the literature in individuals affected with TPM2-related conditions. This variant is not present in population databases (gnomAD no frequency).

Literature cited by the submitters: PubMed 19155175; PubMed 27726070.

NM_003289.4(TPM2):c.663T>A (p.Tyr221Ter)

Gene: TPM2 (tropomyosin 2; minus strand). Cytogenetic location: 9p13.3.
Variant type: single nucleotide variant.
Coding change: c.663T>A on transcript NM_003289.4 (MANE Select); coding-DNA position 663, T replaced by A.
Protein change: p.Tyr221Ter; replaces tyrosine 221 with a stop codon.
Molecular consequence: nonsense.
Genome position (GRCh38, 1-based): chr9:35,684,527, A>T on the plus strand (T>A on the coding strand, the complement: TPM2 is on the minus strand). VCF-style: chr9-35684527-A-T. GRCh37 (hg19) VCF-style: chr9-35684524-A-T.
Other names: c.663T>A, p.Tyr221Ter (NM_001301226.2, NM_001301227.2, NM_213674.1); short protein forms Y221*.
Identifiers: ClinVar variation 632042 (VCV000632042.8), dbSNP rs1465836003, ClinGen allele CA373364761.